The following is an entry in ClinVar:

ClinVar aggregate classification (germline): Likely benign (1 of 4 stars; one submission).

Conditions:
Leigh syndrome (NULS). Also called: Leigh's necrotizing encephalopathy; Leigh's disease; Leigh Syndrome (mtDNA deletion); Leigh Disease; Subacute necrotizing encephalopathy; Necrotizing encephalopathy infantile subacute of Leigh. Identifiers: Orphanet 506, MedGen C2931891, MONDO:0009723, OMIM 256000.

Submission:

Wong Mito Lab, Molecular and Human Genetics, Baylor College of Medicine
Classification: Likely benign for Leigh syndrome. Last evaluated: 2019-10-17. Review status: criteria provided, single submitter. Criteria: Modified ACMG Guidelines (Unpublished). Collection method: clinical testing. Allele origin: germline.
Comment: The NC_012920.1:m.6339A>G (YP_003024028.1:p.Thr146Ala) variant in MTCO1 gene is interpretated to be a Likely Benign variant based on the modified ACMG guidelines (unpublished). This variant meets the following evidence codes: BS4, BP4

NC_012920.1(MT-CO1):m.6339A>G

Gene: MT-CO1 (mitochondrially encoded cytochrome c oxidase I; plus strand).
Variant type: single nucleotide variant.
Genome position: chrM-6339-A-G.
Identifiers: ClinVar variation 692640 (VCV000692640.1), dbSNP rs1556423119, ClinGen allele CA414783326.
Genomic context (GRCh38, chrMT:6,339, plus strand): 5'-TGAACAGTCTACCCTCCCTTAGCAGGGAACTACTCCCACCCTGGAGCCTCCGTAGACCTA[A>G]CCATCTTCTCCTTACACCTAGCAGGTGTCTCCTCTATCTTAGGGGCCATCAATTTCATCA-3'